The following is an entry in ClinVar:

ClinVar aggregate classification (germline): Uncertain significance. Review status: criteria provided, multiple submitters, no conflicts (2 of 4 stars). 2 submissions from 2 submitters: Uncertain significance (2). Last evaluated 2025-04-12.

Conditions:
Inborn genetic diseases. Identifiers: MedGen C0950123, MeSH D030342.
Hepatic veno-occlusive disease-immunodeficiency syndrome. Also called: Hepatic Veno-Occlusive Disease with Immunodeficiency. Identifiers: Orphanet 79124, MedGen C1856128, MONDO:0009338, OMIM 235550. Disease mechanism: loss of function.

gnomAD v4.1: 4 of 1,596,428 alleles (0.00025%); highest among the groups gnomAD compares: Admixed American, 0.0033%; no homozygotes.

Submissions (2):

Ambry Genetics
Classification: Uncertain significance for Inborn genetic diseases. Last evaluated: 2025-04-12. Review status: criteria provided, single submitter. Criteria: Ambry Variant Classification Scheme 2023. Collection method: clinical testing. Allele origin: germline.

Labcorp Genetics (formerly Invitae), Labcorp
Classification: Uncertain significance for Hepatic veno-occlusive disease-immunodeficiency syndrome. Last evaluated: 2022-08-22. Review status: criteria provided, single submitter. Criteria: Invitae Variant Classification Sherloc (09022015). Collection method: clinical testing. Allele origin: germline.
Comment: This sequence change replaces alanine, which is neutral and non-polar, with valine, which is neutral and non-polar, at codon 224 of the SP110 protein (p.Ala224Val). This variant is present in population databases (no rsID available, gnomAD 0.003%). This variant has not been reported in the literature in individuals affected with SP110-related conditions. Algorithms developed to predict the effect of missense changes on protein structure and function (SIFT, PolyPhen-2, Align-GVGD) all suggest that this variant is likely to be tolerated. In summary, the available evidence is currently insufficient to determine the role of this variant in disease. Therefore, it has been classified as a Variant of Uncertain Significance.

NM_080424.4(SP110):c.671C>T (p.Ala224Val)

Genes: SP110 (SP110 nuclear body protein; minus strand), SP140 (SP140 nuclear body protein; plus strand). Cytogenetic location: 2q37.1.
Variant type: single nucleotide variant.
Coding change: c.671C>T on transcript NM_080424.4 (MANE Select); coding-DNA position 671, C replaced by T.
Protein change: p.Ala224Val; replaces alanine 224 with valine.
Molecular consequence: missense variant.
Genome position (GRCh38, 1-based): chr2:230,211,550, G>A on the plus strand (C>T on the coding strand, the complement: SP110 is on the minus strand). VCF-style: chr2-230211550-G-A. GRCh37 (hg19) VCF-style: chr2-231076265-G-A.
Other names: c.689C>T, p.Ala230Val (NM_001185015.2, NM_001378442.1, NM_001378444.1 and 2 more transcripts); c.671C>T, p.Ala224Val (NM_001378443.1, NM_001378447.1, NM_004509.5 and 1 more transcripts); c.671C>T (NM_004509.3); short protein forms A230V, A224V.
Identifiers: ClinVar variation 2184618 (VCV002184618.5), dbSNP rs754038132, ClinGen allele CA350915576.
Genomic context (GRCh38, chr2:230,211,550, plus strand): 5'-GAGTGGGGCATCTCTTGAGGGTCTTCTTTATCTCTTATTTGGGGGATCAGGTTGTCACTG[G>A]CCACTGAATGGAGGAAGAAAAAGTTTTAGATCTCAGGAACAGCAAGCAGGGACCAGAATG-3'
Protein context (NP_536349.3, residues 214-234): PSLLTSTVQV[Ala224Val]SDNLIPQIRD